The following is an entry in ClinVar:

ClinVar aggregate classification (germline): Uncertain significance (1 of 4 stars; one submission).

Conditions:
Cardiovascular phenotype. Identifiers: MedGen CN230736.

Submission:

Ambry Genetics
Classification: Uncertain significance for Cardiovascular phenotype. Last evaluated: 2022-07-08. Review status: criteria provided, single submitter. Criteria: Ambry Variant Classification Scheme 2023. Collection method: clinical testing. Allele origin: germline.
Comment: The p.S1325C variant (also known as c.3974C>G), located in coding exon 25 of the APOB gene, results from a C to G substitution at nucleotide position 3974. The serine at codon 1325 is replaced by cysteine, an amino acid with dissimilar properties. This amino acid position is conserved. In addition, this alteration is predicted to be tolerated by in silico analysis. Since supporting evidence is limited at this time, the clinical significance of this alteration remains unclear.

NM_000384.3(APOB):c.3974C>G (p.Ser1325Cys)

Gene: APOB (apolipoprotein B; minus strand). Cytogenetic location: 2p24.1.
Variant type: single nucleotide variant.
Coding change: c.3974C>G on transcript NM_000384.3 (MANE Select); coding-DNA position 3974, C replaced by G.
Protein change: p.Ser1325Cys; replaces serine 1325 with cysteine.
Molecular consequence: missense variant.
Genome position (GRCh38, 1-based): chr2:21,013,402, G>C on the plus strand (C>G on the coding strand, the complement: APOB is on the minus strand). VCF-style: chr2-21013402-G-C. GRCh37 (hg19) VCF-style: chr2-21236274-G-C.
Other names: short protein forms S1325C.
Identifiers: ClinVar variation 1736636 (VCV001736636.2), dbSNP rs995969675, ClinGen allele CA43509525.